The following is an entry in ClinVar:

NM_003722.5(TP63):c.847A>G (p.Arg283Gly)

Gene: TP63 (tumor protein p63; plus strand). Cytogenetic location: 3q28.
Variant type: single nucleotide variant.
Coding change: c.847A>G on transcript NM_003722.5 (MANE Select); coding-DNA position 847, A replaced by G.
Protein change: p.Arg283Gly; replaces arginine 283 with glycine.
Molecular consequence: missense variant.
Genome position (GRCh38, 1-based): chr3:189,866,762, A>G. VCF-style: chr3-189866762-A-G. GRCh37 (hg19) VCF-style: chr3-189584551-A-G.
Other names: c.847A>G, p.Arg283Gly (NM_001114978.2, NM_001114979.2, NM_001329144.2 and 1 more transcripts); c.565A>G, p.Arg189Gly (NM_001114980.2, NM_001114981.2, NM_001114982.2 and 2 more transcripts); c.310A>G, p.Arg104Gly (NM_001329146.2, NM_001329150.2); c.841A>G, p.Arg281Gly (NM_001329964.2); short protein forms R189G, R104G, R281G, R283G.
Identifiers: ClinVar variation 839940 (VCV000839940.2), dbSNP rs1717775898, ClinGen allele CA355754605.

ClinVar aggregate classification (germline): Uncertain significance (1 of 4 stars; one submission).

Conditions:
TP63-Related Spectrum Disorders.

Submission:

Labcorp Genetics (formerly Invitae), Labcorp
Classification: Uncertain significance. Last evaluated: 2019-04-18. Review status: criteria provided, single submitter. Criteria: Invitae Variant Classification Sherloc (09022015). Collection method: clinical testing. Allele origin: germline.
Comment: This sequence change replaces arginine with glycine at codon 283 of the TP63 protein (p.Arg283Gly). The arginine residue is highly conserved and there is a moderate physicochemical difference between arginine and glycine. This variant is not present in population databases (ExAC no frequency). This variant has not been reported in the literature in individuals with TP63-related conditions. Algorithms developed to predict the effect of missense changes on protein structure and function (SIFT, PolyPhen-2, Align-GVGD) all suggest that this variant is likely to be disruptive, but these predictions have not been confirmed by published functional studies and their clinical significance is uncertain. In summary, the available evidence is currently insufficient to determine the role of this variant in disease. Therefore, it has been classified as a Variant of Uncertain Significance.